The following is an entry in ClinVar:

NM_005660.3(SLC35A2):c.497G>A (p.Arg166Gln)

Gene: SLC35A2 (solute carrier family 35 member A2; minus strand). Cytogenetic location: Xp11.23.
Variant type: single nucleotide variant.
Coding change: c.497G>A on transcript NM_005660.3 (MANE Select); coding-DNA position 497, G replaced by A.
Protein change: p.Arg166Gln; replaces arginine 166 with glutamine.
Molecular consequence: missense variant. On other transcripts: intron variant (3).
Genome position (GRCh38, 1-based): chrX:48,905,412, C>T on the plus strand (G>A on the coding strand, the complement: SLC35A2 is on the minus strand). VCF-style: chrX-48905412-C-T. GRCh37 (hg19) VCF-style: chrX-48762689-C-T.
Other names: c.497G>A, p.Arg166Gln (NM_001042498.3); c.314G>A, p.Arg105Gln (NM_001282649.2); c.536G>A, p.Arg179Gln (NM_001282650.2); c.581G>A, p.Arg194Gln (NM_001282651.2); c.427-520G>A (NM_001282647.2, NM_001032289.3); c.355-520G>A (NM_001282648.2); short protein forms R179Q, R166Q, R194Q, R105Q.
Identifiers: ClinVar variation 647909 (VCV000647909.10), dbSNP rs374840868, ClinGen allele CA10406122.
Genomic context (GRCh38, chrX:48,905,412, plus strand): 5'-TGCTGTGCCTGGACAATGGCGACGCCAGTGAAGAGGAGCAGCAGGGAGGCCCACTGCAGC[C>T]GGGAAAGGCTGCGATTCAGCATGAGCACGGAGAACAGCGCTGTGGTCAGGATCTTCAGCT-3'
Protein context (NP_005651.1, residues 156-176): SVLMLNRSLS[Arg166Gln]LQWASLLLLF

ClinVar aggregate classification (germline): Uncertain significance. Review status: criteria provided, multiple submitters, no conflicts (2 of 4 stars). 2 submissions from 2 submitters: Uncertain significance (2). Last evaluated 2025-10-20.

Conditions:
SLC35A2-congenital disorder of glycosylation. Also called: SLC35A2-CDG; CONGENITAL DISORDER OF GLYCOSYLATION, TYPE IIm; CDG IIm; CONGENITAL DISORDER OF GLYCOSYLATION, TYPE IIm, SOMATIC MOSAIC; EPILEPTIC ENCEPHALOPATHY, EARLY INFANTILE, 22; DEVELOPMENTAL AND EPILEPTIC ENCEPHALOPATHY 22. Identifiers: Orphanet 356961, MedGen C3806688, MONDO:0010478, OMIM 300896.

Allele frequency attached by ClinVar (database versions not stated): TOPMed 0.00001; ExAC 0.00002; gnomAD exomes 0.00002 and 0.00004; ESP Exome Variant Server 0.00009.

Submissions (2):

Labcorp Genetics (formerly Invitae), Labcorp
Classification: Uncertain significance for SLC35A2-congenital disorder of glycosylation. Last evaluated: 2025-10-20. Review status: criteria provided, single submitter. Criteria: Invitae Variant Classification Sherloc (09022015). Collection method: clinical testing. Allele origin: germline.
Comment: This sequence change replaces arginine, which is basic and polar, with glutamine, which is neutral and polar, at codon 166 of the SLC35A2 protein (p.Arg166Gln). The frequency data for this variant in the population databases is considered unreliable, as metrics indicate poor data quality at this position in the gnomAD database. This variant has not been reported in the literature in individuals affected with SLC35A2-related conditions. ClinVar contains an entry for this variant (Variation ID: 647909). Invitae Evidence Modeling of protein sequence and biophysical properties (such as structural, functional, and spatial information, amino acid conservation, physicochemical variation, residue mobility, and thermodynamic stability) indicates that this missense variant is not expected to disrupt SLC35A2 protein function with a negative predictive value of 80%. In summary, the available evidence is currently insufficient to determine the role of this variant in disease. Therefore, it has been classified as a Variant of Uncertain Significance.

GeneDx
Classification: Uncertain significance. Last evaluated: 2020-07-26. Review status: criteria provided, single submitter. Criteria: GeneDx Variant Classification Process June 2021. Collection method: clinical testing. Allele origin: germline. Affected: yes.
Comment: In silico analysis supports that this missense variant does not alter protein structure/function; Has not been previously published as pathogenic or benign to our knowledge